The following is an entry in ClinVar:

ClinVar aggregate classification (germline): Uncertain significance. Review status: criteria provided, multiple submitters, no conflicts (2 of 4 stars). 3 submissions from 3 submitters: Uncertain significance (3). Last evaluated 2026-07-20.

Conditions:
Bardet-Biedl syndrome 15 (BBS15). Identifiers: Orphanet 110, MedGen C3150127, MONDO:0014443, OMIM 615992.
Heart defect - tongue hamartoma - polysyndactyly syndrome. Also called: Congenital heart defects, hamartomas of tongue, and polysyndactyly. Identifiers: Orphanet 1338, MedGen C1857587, MONDO:0009008, OMIM 217085.
WDPCP-related disorder. Also called: WDPCP-related condition.
Inborn genetic diseases. Identifiers: MedGen C0950123, MeSH D030342.

Submissions (3):

PreventionGenetics, part of Exact Sciences
Classification: Uncertain significance for WDPCP-related condition. Last evaluated: 2026-07-20. Review status: criteria provided, single submitter. Criteria: ACMG Guidelines, 2015. Collection method: clinical testing. Allele origin: germline.
Comment: The WDPCP c.348T>G variant is predicted to result in the amino acid substitution p.Cys116Trp. To our knowledge, this variant has not been reported in the literature or in a large population database (gnomAD), indicating this variant is rare. At this time, the clinical significance of this variant is uncertain due to the absence of conclusive functional and genetic evidence.

Ambry Genetics
Classification: Uncertain significance for Inborn genetic diseases. Last evaluated: 2024-11-13. Review status: criteria provided, single submitter. Criteria: Ambry Variant Classification Scheme 2023. Collection method: clinical testing. Allele origin: germline.

Fulgent Genetics
Classification: Uncertain significance for Heart defect - tongue hamartoma - polysyndactyly syndrome; Bardet-Biedl syndrome 15. Last evaluated: 2024-04-15. Review status: criteria provided, single submitter. Criteria: ACMG Guidelines, 2015. Collection method: clinical testing. Allele origin: germline.

NM_015910.7(WDPCP):c.348T>G (p.Cys116Trp)

Gene: WDPCP (WD repeat containing planar cell polarity effector; minus strand). Cytogenetic location: 2p15.
Variant type: single nucleotide variant.
Coding change: c.348T>G on transcript NM_015910.7 (MANE Select); coding-DNA position 348, T replaced by G.
Protein change: p.Cys116Trp; replaces cysteine 116 with tryptophan.
Molecular consequence: missense variant. On other transcripts: non-coding transcript variant (2).
Genome position (GRCh38, 1-based): chr2:63,484,640, A>C on the plus strand (T>G on the coding strand, the complement: WDPCP is on the minus strand). VCF-style: chr2-63484640-A-C. GRCh37 (hg19) VCF-style: chr2-63711774-A-C.
Other names: c.276T>G, p.Cys92Trp (NM_001354044.2); c.348T>G, p.Cys116Trp (NM_001354045.2); short protein forms C92W, C116W.
Identifiers: ClinVar variation 3469200 (VCV003469200.3).